The following is an entry in ClinVar:

NM_020738.4(KIDINS220):c.3193G>A (p.Val1065Ile)

Gene: KIDINS220 (kinase D interacting substrate 220; minus strand). Cytogenetic location: 2p25.1.
Variant type: single nucleotide variant.
Coding change: c.3193G>A on transcript NM_020738.4 (MANE Select); coding-DNA position 3193, G replaced by A.
Protein change: p.Val1065Ile; replaces valine 1065 with isoleucine.
Molecular consequence: missense variant. On other transcripts: non-coding transcript variant (2).
Genome position (GRCh38, 1-based): chr2:8,750,333, C>T on the plus strand (G>A on the coding strand, the complement: KIDINS220 is on the minus strand). VCF-style: chr2-8750333-C-T. GRCh37 (hg19) VCF-style: chr2-8890463-C-T.
Other names: c.3196G>A, p.Val1066Ile (NM_001348729.2, NM_001348731.2, NM_001348734.2 and 2 more transcripts); c.3193G>A, p.Val1065Ile (NM_001348732.2, NM_001348735.2, NM_001348738.2 and 3 more transcripts); c.3067G>A, p.Val1023Ile (NM_001348736.2); c.3193G>A (NM_020738.2); short protein forms V1023I, V1065I, V1066I.
Identifiers: ClinVar variation 4882063 (VCV004882063.3).

ClinVar aggregate classification (germline): Uncertain significance. Review status: criteria provided, multiple submitters, no conflicts (2 of 4 stars). 2 submissions from 2 submitters: Uncertain significance (2). Last evaluated 2026-03-23.

Conditions:
KIDINS220-related disorder. Also called: KIDINS220-related condition.

Submissions (2):

PreventionGenetics, part of Exact Sciences
Classification: Uncertain significance for KIDINS220-related condition. Last evaluated: 2026-03-23. Review status: criteria provided, single submitter. Criteria: ACMG Guidelines, 2015. Collection method: clinical testing. Allele origin: germline.
Comment: The KIDINS220 c.3193G>A variant is predicted to result in the amino acid substitution p.Val1065Ile. To our knowledge, this variant has not been reported in the literature or in a large population database (gnomAD), indicating this variant is rare. At this time, the clinical significance of this variant is uncertain due to the absence of conclusive functional and genetic evidence.

Dasa
Classification: Uncertain significance. Last evaluated: 2026-01-12. Review status: criteria provided, single submitter. Criteria: DASA Assertion Criteria. Collection method: clinical testing. Allele origin: germline.
Comment: NM_020738.4(KIDINS220):c.3193G>A (p.Val1065Ile) is a missense variant that results in the substitution of valine with isoleucine. This variant is rare in population databases. The currently available literature and clinical evidence are not sufficient to establish a definitive association between this variant and the reported condition. Therefore, this variant is classified as a variant of uncertain significance.